The following is an entry in ClinVar:

ClinVar aggregate classification (germline): Uncertain significance (1 of 4 stars; one submission).

gnomAD v4.1: 11 of 1,511,308 alleles (0.00073%); highest among the groups gnomAD compares: African/African-American, 0.0029%; no homozygotes.

Submission:

GeneDx
Classification: Uncertain significance. Last evaluated: 2026-04-17. Review status: criteria provided, single submitter. Criteria: GeneDx Variant Classification Process June 2021. Collection method: clinical testing. Allele origin: germline.
Comment: Not observed at significant frequency in large population cohorts (gnomAD); Canonical splice site variant in a gene or region of a gene for which loss of function is not a well-established mechanism of disease; Has not been previously published as pathogenic or benign to our knowledge

NM_001846.4(COL4A2):c.477+1G>A

Gene: COL4A2 (collagen type IV alpha 2 chain; plus strand). Cytogenetic location: 13q34.
Variant type: single nucleotide variant.
Coding change: c.477+1G>A on transcript NM_001846.4 (MANE Select); the canonical splice donor site of the intron after coding-DNA position 477, G replaced by A.
Molecular consequence: splice donor variant.
Genome position (GRCh38, 1-based): chr13:110,428,584, G>A. VCF-style: chr13-110428584-G-A. GRCh37 (hg19) VCF-style: chr13-111080931-G-A.
Identifiers: ClinVar variation 3381731 (VCV003381731.2).